The following is an entry in ClinVar:

NM_001085049.3(MRAS):c.509A>T (p.Asp170Val)

Gene: MRAS (muscle RAS oncogene homolog; plus strand). Cytogenetic location: 3q22.3.
Variant type: single nucleotide variant.
Coding change: c.509A>T on transcript NM_001085049.3 (MANE Select); coding-DNA position 509, A replaced by T.
Protein change: p.Asp170Val; replaces aspartic acid 170 with valine.
Molecular consequence: missense variant.
Genome position (GRCh38, 1-based): chr3:138,400,595, A>T. VCF-style: chr3-138400595-A-T. GRCh37 (hg19) VCF-style: chr3-138119437-A-T.
Other names: c.509A>T, p.Asp170Val (NM_001252090.2, NM_012219.4); c.281A>T, p.Asp94Val (NM_001252091.1, NM_001252092.2, NM_001252093.2); short protein forms D94V, D170V.
Identifiers: ClinVar variation 4727983 (VCV004727983.1).

ClinVar aggregate classification (germline): Uncertain significance (1 of 4 stars; one submission).

Submission:

Labcorp Genetics (formerly Invitae), Labcorp
Classification: Uncertain significance. Last evaluated: 2026-01-27. Review status: criteria provided, single submitter. Criteria: Invitae Variant Classification Sherloc (09022015). Collection method: clinical testing. Allele origin: germline.
Comment: This sequence change replaces aspartic acid, which is acidic and polar, with valine, which is neutral and non-polar, at codon 170 of the MRAS protein (p.Asp170Val). This variant is not present in population databases (gnomAD no frequency). This variant has not been reported in the literature in individuals affected with MRAS-related conditions. An algorithm developed to predict the effect of missense changes on protein structure and function (PolyPhen-2) suggests that this variant is likely to be disruptive. In summary, the available evidence is currently insufficient to determine the role of this variant in disease. Therefore, it has been classified as a Variant of Uncertain Significance.